The following is an entry in ClinVar:

NM_006734.4(HIVEP2):c.644G>A (p.Arg215Gln)

Gene: HIVEP2 (HIVEP zinc finger 2; minus strand). Cytogenetic location: 6q24.2.
Variant type: single nucleotide variant.
Coding change: c.644G>A on transcript NM_006734.4 (MANE Select); coding-DNA position 644, G replaced by A.
Protein change: p.Arg215Gln; replaces arginine 215 with glutamine.
Molecular consequence: missense variant.
Genome position (GRCh38, 1-based): chr6:142,774,095, C>T on the plus strand (G>A on the coding strand, the complement: HIVEP2 is on the minus strand). VCF-style: chr6-142774095-C-T. GRCh37 (hg19) VCF-style: chr6-143095232-C-T.
Other names: short protein forms R215Q.
Identifiers: ClinVar variation 3670090 (VCV003670090.2).
Genomic context (GRCh38, chr6:142,774,095, plus strand): 5'-TGCTTGTACAAATTGCTCTTTGTCTTGAAAGAGAAACCACAAGGTATACATGGATATGGC[C>T]GCTCCCCAGTATGGGACCTGATGTGTTTTTTCAGTACACTAGGTTTGGCACACGCTCTGC-3'
Protein context (NP_006725.3, residues 205-225): KKHIRSHTGE[Arg215Gln]PYPCIPCGFS

ClinVar aggregate classification (germline): Uncertain significance (1 of 4 stars; one submission).

Submission:

Labcorp Genetics (formerly Invitae), Labcorp
Classification: Uncertain significance. Last evaluated: 2024-08-05. Review status: criteria provided, single submitter. Criteria: Invitae Variant Classification Sherloc (09022015). Collection method: clinical testing. Allele origin: germline.
Comment: This sequence change replaces arginine, which is basic and polar, with glutamine, which is neutral and polar, at codon 215 of the HIVEP2 protein (p.Arg215Gln). This variant is not present in population databases (gnomAD no frequency). This variant has not been reported in the literature in individuals affected with HIVEP2-related conditions. Advanced modeling of protein sequence and biophysical properties (such as structural, functional, and spatial information, amino acid conservation, physicochemical variation, residue mobility, and thermodynamic stability) performed at Invitae indicates that this missense variant is expected to disrupt HIVEP2 protein function with a positive predictive value of 80%. In summary, the available evidence is currently insufficient to determine the role of this variant in disease. Therefore, it has been classified as a Variant of Uncertain Significance.